The following is an entry in ClinVar:

NM_015156.4(RCOR1):c.141_158dup (p.Ser53_Ala54insGlyAlaAlaAlaSerSer)

Genes: RCOR1 (REST corepressor 1; plus strand), LOC130056530 (ATAC-STARR-seq lymphoblastoid silent region 6127; plus strand). Cytogenetic location: 14q32.31.
Variant type: Duplication.
Coding change: c.141_158dup on transcript NM_015156.4 (MANE Select); coding-DNA positions 141 to 158, 18 bases duplicated (GGGCGCCGCCGCCTCCTC).
Protein change: p.Ser53_Ala54insGlyAlaAlaAlaSerSer.
Genome position (GRCh38, 1-based): chr14:102,593,027-102,593,044, GGGCGCCGCCGCCTCCTC duplicated; duplicating any 18 consecutive bases within chr14:102,593,023-102,593,044 gives the same sequence; the c. name uses the placement nearest the transcript's 3' end. VCF-style (leftmost placement, unchanged base first): chr14-102593022-G-GCCTCGGGCGCCGCCGCCT. GRCh37 (hg19) VCF-style: chr14-103059359-G-GCCTCGGGCGCCGCCGCCT.
Identifiers: ClinVar variation 3661615 (VCV003661615.2).

ClinVar aggregate classification (germline): Uncertain significance (1 of 4 stars; one submission).

Submission:

Labcorp Genetics (formerly Invitae), Labcorp
Classification: Uncertain significance. Last evaluated: 2024-09-04. Review status: criteria provided, single submitter. Criteria: Invitae Variant Classification Sherloc (09022015). Collection method: clinical testing. Allele origin: germline.
Comment: This variant, c.141_158dup, results in the insertion of 6 amino acid(s) of the RCOR1 protein (p.Gly48_Ser53dup), but otherwise preserves the integrity of the reading frame. This variant is not present in population databases (gnomAD no frequency). This variant has not been reported in the literature in individuals affected with RCOR1-related conditions. In summary, the available evidence is currently insufficient to determine the role of this variant in disease. Therefore, it has been classified as a Variant of Uncertain Significance.